The following is an entry in ClinVar:

ClinVar aggregate classification (germline): Conflicting classifications of pathogenicity. Review status: criteria provided, conflicting classifications (1 of 4 stars). 2 submissions from 2 submitters: Uncertain significance (1); Likely benign (1). Last evaluated 2025-10-15.

Conditions:
Acute myeloid leukemia (AML). Also called: Acute myeloid leukemia, adult; AML adult; Acute non-lymphocytic leukemia; Acute granulocytic leukemia; Leukemia, acute myeloid, somatic; Leukemia, acute myelogenous, somatic. Identifiers: Orphanet 519, MedGen C0023467, MeSH D015470, MONDO:0018874, OMIM 601626, HP:0004808. Disease mechanism: Constitutively activated FLT3.
Inborn genetic diseases. Identifiers: MedGen C0950123, MeSH D030342.

Submissions (2):

Labcorp Genetics (formerly Invitae), Labcorp
Classification: Uncertain significance for Acute myeloid leukemia. Last evaluated: 2025-10-15. Review status: criteria provided, single submitter. Criteria: Invitae Variant Classification Sherloc (09022015). Collection method: clinical testing. Allele origin: germline.
Comment: This sequence change affects codon 267 of the CEBPA mRNA. It is a 'silent' change, meaning that it does not change the encoded amino acid sequence of the CEBPA protein. This variant is not present in population databases (gnomAD no frequency). This variant has not been reported in the literature in individuals affected with CEBPA-related conditions. ClinVar contains an entry for this variant (Variation ID: 4000001). In summary, the available evidence is currently insufficient to determine the role of this variant in disease. Therefore, it has been classified as a Variant of Uncertain Significance.

Ambry Genetics
Classification: Likely benign for Inborn genetic diseases. Last evaluated: 2025-04-25. Review status: criteria provided, single submitter. Criteria: Ambry Variant Classification Scheme 2023. Collection method: clinical testing. Allele origin: germline.

NM_004364.5(CEBPA):c.801C>T (p.Gly267=)

Gene: CEBPA (CCAAT enhancer binding protein alpha; minus strand). Cytogenetic location: 19q13.11.
Variant type: single nucleotide variant.
Coding change: c.801C>T on transcript NM_004364.5 (MANE Select); coding-DNA position 801, C replaced by T.
Protein change: p.Gly267=; no amino-acid change (glycine 267 retained).
Molecular consequence: synonymous variant.
Genome position (GRCh38, 1-based): chr19:33,301,614, G>A on the plus strand (C>T on the coding strand, the complement: CEBPA is on the minus strand). VCF-style: chr19-33301614-G-A. GRCh37 (hg19) VCF-style: chr19-33792520-G-A.
Other names: c.444C>T, p.Gly148= (NM_001285829.2); c.906C>T, p.Gly302= (NM_001287424.2); c.759C>T, p.Gly253= (NM_001287435.2).
Identifiers: ClinVar variation 4000001 (VCV004000001.2).